The following is an entry in ClinVar:

ClinVar aggregate classification (germline): Likely pathogenic (1 of 4 stars; one submission).

Conditions:
Primary ciliary dyskinesia. Also called: Ciliary dyskinesia. Identifiers: Orphanet 244, MedGen C0008780, MONDO:0016575, HP:0012265.

Submission:

Institute Of Molecular Biology And Genetics, Federal Almazov National Medical Research Centre
Classification: Likely pathogenic for Primary ciliary dyskinesia. Last evaluated: 2023-12-11. Review status: criteria provided, single submitter. Criteria: ACMG Guidelines, 2015. Collection method: clinical testing. Allele origin: germline. Affected: yes. Observed: 1 variant allele.
Comment: The c.704dup variant leads to a frameshift (p.His235Glnfs*48) in ODAD4 (TTC25) gene, and is predicted to result in premature termination of translation. Bi-allelic loss-of-function variants in TTC25 are known as a genetic cause of primary ciliary dyskinesia (PMID:27486780). The c.704dup variant is absent in publicly available population and clinical databases (gnomAD, dbSNP, ClinVar). For these reasons, this variant has been classified as Likely Pathogenic.

NM_031421.5(ODAD4):c.704dup (p.His235fs)

Gene: ODAD4 (outer dynein arm docking complex subunit 4; plus strand). Cytogenetic location: 17q21.2.
Variant type: Duplication.
Coding change: c.704dup on transcript NM_031421.5 (MANE Select); coding-DNA position 704, one base duplicated (A; older notation c.704dupA).
Protein change: p.His235fs; shifts the reading frame from histidine 235.
Molecular consequence: frameshift variant. On other transcripts: non-coding transcript variant (1).
Genome position (GRCh38, 1-based): chr17:41,938,635, A duplicated. VCF-style (leftmost placement, unchanged base first): chr17-41938634-C-CA. GRCh37 (hg19) VCF-style: chr17-40094887-C-CA.
Other names: c.704dup, p.His235fs (NM_001350319.2); short protein forms H235fs.
Identifiers: ClinVar variation 2671845 (VCV002671845.2), dbSNP rs2544711824, ClinGen allele CA2695201326.